The following is an entry in ClinVar:

ClinVar aggregate classification (germline): Uncertain significance (1 of 4 stars; one submission).

Allele frequency attached by ClinVar (database versions not stated): TOPMed below 0.00001; gnomAD exomes 0.00001; ExAC 0.00002.
gnomAD v4.1: 18 of 1,614,194 alleles (0.0011%); highest among the groups gnomAD compares: Non-Finnish European, 0.00017%; no homozygotes.

Submission:

Labcorp Genetics (formerly Invitae), Labcorp
Classification: Uncertain significance. Last evaluated: 2023-12-12. Review status: criteria provided, single submitter. Criteria: Invitae Variant Classification Sherloc (09022015). Collection method: clinical testing. Allele origin: germline.
Comment: This sequence change replaces valine, which is neutral and non-polar, with alanine, which is neutral and non-polar, at codon 104 of the RNF31 protein (p.Val104Ala). This variant is present in population databases (rs752063198, gnomAD 0.05%). This variant has not been reported in the literature in individuals affected with RNF31-related conditions. An algorithm developed to predict the effect of missense changes on protein structure and function (PolyPhen-2) suggests that this variant is likely to be disruptive. In summary, the available evidence is currently insufficient to determine the role of this variant in disease. Therefore, it has been classified as a Variant of Uncertain Significance.

NM_017999.5(RNF31):c.311T>C (p.Val104Ala)

Gene: RNF31 (ring finger protein 31; plus strand). Cytogenetic location: 14q12.
Variant type: single nucleotide variant.
Coding change: c.311T>C on transcript NM_017999.5 (MANE Select); coding-DNA position 311, T replaced by C.
Protein change: p.Val104Ala; replaces valine 104 with alanine.
Molecular consequence: missense variant. On other transcripts: 5 prime UTR variant (1).
Genome position (GRCh38, 1-based): chr14:24,148,094, T>C. VCF-style: chr14-24148094-T-C. GRCh37 (hg19) VCF-style: chr14-24617303-T-C.
Other names: c.-207T>C (NM_001310332.2); short protein forms V104A.
Identifiers: ClinVar variation 2729005 (VCV002729005.3), dbSNP rs752063198, ClinGen allele CA7125412.
Genomic context (GRCh38, chr14:24,148,094, plus strand): 5'-GCAACCTTCTCAGCCCTCAGCGGCCTCGGTACTGGCGTGGTGTCAAGTTTAATAACCCTG[T>C]CTTTCGCAGCACGGTGGATGCTGTGCAGGTGAATCCCCTGGCCTTATGGGAGAGGGGGCT-3'
Protein context (NP_060469.4, residues 94-114): YWRGVKFNNP[Val104Ala]FRSTVDAVQG